The following is an entry in ClinVar:

ClinVar aggregate classification (germline): Uncertain significance (1 of 4 stars; one submission).

Conditions:
Leigh syndrome (NULS). Also called: Leigh's necrotizing encephalopathy; Leigh's disease; Leigh Syndrome (mtDNA deletion); Leigh's syndrome; Subacute necrotizing encephalopathy; Necrotizing encephalopathy infantile subacute of Leigh. Identifiers: Orphanet 506, MedGen C2931891, MONDO:0009723, OMIM 256000.

Submission:

Labcorp Genetics (formerly Invitae), Labcorp
Classification: Uncertain significance for Leigh syndrome. Last evaluated: 2025-01-06. Review status: criteria provided, single submitter. Criteria: Invitae Variant Classification Sherloc (09022015). Collection method: clinical testing. Allele origin: germline.
Comment: This sequence change replaces isoleucine, which is neutral and non-polar, with threonine, which is neutral and polar, at codon 238 of the SURF1 protein (p.Ile238Thr). This variant is not present in population databases (gnomAD no frequency). This variant has not been reported in the literature in individuals affected with SURF1-related conditions. ClinVar contains an entry for this variant (Variation ID: 1480090). Invitae Evidence Modeling of protein sequence and biophysical properties (such as structural, functional, and spatial information, amino acid conservation, physicochemical variation, residue mobility, and thermodynamic stability) indicates that this missense variant is not expected to disrupt SURF1 protein function with a negative predictive value of 95%. In summary, the available evidence is currently insufficient to determine the role of this variant in disease. Therefore, it has been classified as a Variant of Uncertain Significance.

NM_003172.4(SURF1):c.713T>C (p.Ile238Thr)

Gene: SURF1 (SURF1 cytochrome c oxidase assembly factor; minus strand). Cytogenetic location: 9q34.2.
Variant type: single nucleotide variant.
Coding change: c.713T>C on transcript NM_003172.4 (MANE Select); coding-DNA position 713, T replaced by C.
Protein change: p.Ile238Thr; replaces isoleucine 238 with threonine.
Molecular consequence: missense variant.
Genome position (GRCh38, 1-based): chr9:133,352,484, A>G on the plus strand (T>C on the coding strand, the complement: SURF1 is on the minus strand). VCF-style: chr9-133352484-A-G. GRCh37 (hg19) VCF-style: chr9-136219339-A-G.
Other names: c.386T>C, p.Ile129Thr (NM_001280787.1); short protein forms I238T, I129T.
Identifiers: ClinVar variation 1480090 (VCV001480090.6), dbSNP rs1318116962, ClinGen allele CA375693675.